The following is an entry in ClinVar:

NM_025114.4(CEP290):c.7015C>T (p.Arg2339Trp)

Gene: CEP290 (centrosomal protein 290; minus strand). Cytogenetic location: 12q21.32.
Variant type: single nucleotide variant.
Coding change: c.7015C>T on transcript NM_025114.4 (MANE Select); coding-DNA position 7015, C replaced by T.
Protein change: p.Arg2339Trp; replaces arginine 2339 with tryptophan.
Molecular consequence: missense variant.
Genome position (GRCh38, 1-based): chr12:88,054,359, G>A on the plus strand (C>T on the coding strand, the complement: CEP290 is on the minus strand). VCF-style: chr12-88054359-G-A. GRCh37 (hg19) VCF-style: chr12-88448136-G-A.
Other names: NM_025114.4(CEP290):c.7015C>T; p.Arg2339Trp; short protein forms R2339W.
Identifiers: ClinVar variation 968717 (VCV000968717.41), dbSNP rs200969981, ClinGen allele CA6711377.

ClinVar aggregate classification (germline): Uncertain significance. Review status: reviewed by expert panel (3 of 4 stars). 12 submissions from 12 submitters: Uncertain significance (1). 11 of the submissions do not count toward it. Last evaluated 2026-07-20.

Conditions:
CEP290-related disorder. Also called: CEP290-related condition; CEP290-related disorders. Identifiers: MedGen CN239314.
Leber congenital amaurosis (LCA). Also called: Leber's amaurosis. Identifiers: Orphanet 65, MedGen C0339527, MeSH D057130, MONDO:0018998.
Nephronophthisis. Also called: Juvenile Nephronophthisis. Identifiers: Orphanet 655, MedGen C0687120, MONDO:0019005, HP:0000090.
Meckel-Gruber syndrome. Also called: DYSENCEPHALIA SPLANCHNOCYSTICA; GRUBER SYNDROME; Dysencephalia splachnocystica. Identifiers: Orphanet 564, MedGen C0265215, MONDO:0018921.
Joubert syndrome. Also called: JOUBERT-BOLTSHAUSER SYNDROME; Familial aplasia of the vermis. Identifiers: Orphanet 475, MedGen C5979921, MONDO:0018772.
Retinal dystrophy. Also called: Inherited retinal dystrophy. Identifiers: Orphanet 71862, MedGen C0854723, MeSH D058499, MONDO:0019118, HP:0000556.
CEP290-related ciliopathy. Also called: CEP290 ciliopathy. Identifiers: MedGen CN305601, MONDO:0100451.
Inborn genetic diseases. Identifiers: MedGen C0950123, MeSH D030342.
Leber congenital amaurosis 10 (LCA10). Identifiers: Orphanet 65, MedGen C1857821, MONDO:0012723, OMIM 611755.
Bardet-Biedl syndrome 14 (BBS14). Identifiers: Orphanet 110, MedGen C2673874, MONDO:0014442, OMIM 615991.
Meckel syndrome, type 4 (MKS4). Also called: MECKEL-GRUBER SYNDROME, TYPE 4. Identifiers: Orphanet 564, MedGen C1970161, MONDO:0012626, OMIM 611134.
Senior-Loken syndrome 6 (SLSN6). Identifiers: Orphanet 3156, MedGen C1857779, MONDO:0012433, OMIM 610189.
Joubert syndrome 5 (JBTS5). Identifiers: Orphanet 2318, MedGen C1857780, MONDO:0012432, OMIM 610188.

Allele frequency attached by ClinVar (database versions not stated): ExAC 0.00014; gnomAD exomes 0.00015 and 0.00022; 1000 Genomes Project 30x 0.00016; TOPMed 0.00016; ESP Exome Variant Server 0.00017; gnomAD 0.00018 and 0.00019; 1000 Genomes Project 0.00020.
gnomAD v4.1: 350 of 1,608,406 alleles (0.022%); highest among the groups gnomAD compares: Non-Finnish European, 0.028%; no homozygotes.

Submissions (12):

ClinGen Leber Congenital Amaurosis/early Onset Retinal Dystrophy Variant Curation Expert Panel, ClinGen
Classification: Uncertain significance for CEP290-related ciliopathy. Last evaluated: 2026-07-20. Review status: reviewed by expert panel. Criteria: ClinGen LCAeoRD ACMG Specifications CEP290 V1.0.0. Collection method: curation. Allele origin: germline. Inheritance: Autosomal recessive inheritance.
Comment: NM_025114.4(CEP290):c.7015C>T (p.Arg2339Trp) is a missense variant that replaces arginine with tryptophan at amino acid 2339. This variant is present in gnomAD v4.1.1 at a total allele frequency of 0.0002, with 350 alleles / 1,608,406 total alleles, which is lower than the ClinGen LCA/eoRD VCEP PM2_Supporting threshold of <0.0006 (PM2_Supporting). The splicing impact predictor SpliceAI gives a score of 0.24, which is above the ClinGen LCA/eoRD VCEP recommended threshold of ≥0.2 and predicts a damaging impact on splicing (PP3). In addition, the computational predictor CADD gives a score of 25.8, which is above the ClinGen LCA/eoRD VCEP threshold of ≥25.3 and predicts a damaging effect on CEP290 protein function. This variant has been reported in the heterozygous state in at least 1 proband with a diagnosis of Bardet-Biedl syndrome, however, no second CEP290 variant was identified in the patient, PM3_Supporting is not met. In summary, this variant meets the criteria to be classified as a Variant of Uncertain Significance for CEP290-related ciliopathy based on the ACMG/AMP criteria applied, as specified by the ClinGen LCA/eoRD VCEP: PM2_Supporting and PP3. (LCA/eoRD VCEP Specifications for CEP290 Version 1.0.0)

PreventionGenetics, part of Exact Sciences
Classification: Uncertain significance for CEP290-related condition. Last evaluated: 2026-09-17. Review status: criteria provided, single submitter. Criteria: ACMG Guidelines, 2015. Collection method: clinical testing. Allele origin: germline. Not counted in ClinVar's aggregate classification.
Comment: The CEP290 c.7015C>T variant is predicted to result in the amino acid substitution p.Arg2339Trp. This variant has been observed in a cohort of individuals with Bardet–Biedl syndrome and reported as a variant of uncertain significance (VUS) (Orlova et al. 2024. PubMed ID: 39092430). This variant is reported in 0.035% of alleles in individuals of European (Non-Finnish) descent in gnomAD. At this time, the clinical significance of this variant is uncertain due to the absence of conclusive functional and genetic evidence.

GeneDx
Classification: Uncertain significance. Last evaluated: 2026-08-10. Review status: criteria provided, single submitter. Criteria: GeneDx Variant Classification Process June 2021. Collection method: clinical testing. Allele origin: germline. Not counted in ClinVar's aggregate classification.
Comment: Reported in the heterozygous state in a patient with Bardet-Biedl syndrome in published literature (PMID: 39092430); In silico analysis indicates that this missense variant does not alter protein structure/function; In silico analysis is inconclusive as to whether the variant alters gene splicing. In the absence of RNA/functional studies, the actual effect of this sequence change is unknown.; This variant is associated with the following publications: (PMID: 39092430)

CeGaT Center for Human Genetics Tuebingen
Classification: Likely benign. Last evaluated: 2026-04-01. Review status: criteria provided, single submitter. Criteria: CeGaT Center For Human Genetics Tuebingen Variant Classification Criteria Version 2. Collection method: clinical testing. Allele origin: germline. Affected: yes. Observed: 3 variant alleles. Not counted in ClinVar's aggregate classification.
Comment: CEP290: BP4

Labcorp Genetics (formerly Invitae), Labcorp
Classification: Uncertain significance for Joubert syndrome; Meckel-Gruber syndrome; Nephronophthisis. Last evaluated: 2024-12-02. Review status: criteria provided, single submitter. Criteria: Invitae Variant Classification Sherloc (09022015). Collection method: clinical testing. Allele origin: germline. Not counted in ClinVar's aggregate classification.
Comment: This sequence change replaces arginine, which is basic and polar, with tryptophan, which is neutral and slightly polar, at codon 2339 of the CEP290 protein (p.Arg2339Trp). This variant is present in population databases (rs200969981, gnomAD 0.03%). This variant has not been reported in the literature in individuals affected with CEP290-related conditions. ClinVar contains an entry for this variant (Variation ID: 968717). An algorithm developed to predict the effect of missense changes on protein structure and function outputs the following: PolyPhen-2: "Benign". The tryptophan amino acid residue is found in multiple mammalian species, which suggests that this missense change does not adversely affect protein function. In summary, the available evidence is currently insufficient to determine the role of this variant in disease. Therefore, it has been classified as a Variant of Uncertain Significance.

Blueprint Genetics
Classification: Uncertain significance. Last evaluated: 2024-11-27. Review status: criteria provided, single submitter. Criteria: ACMG Guidelines, 2015. Collection method: clinical testing. Allele origin: germline. Not counted in ClinVar's aggregate classification.

Ambry Genetics
Classification: Uncertain significance for Inborn genetic diseases. Last evaluated: 2024-06-22. Review status: criteria provided, single submitter. Criteria: Ambry Variant Classification Scheme 2023. Collection method: clinical testing. Allele origin: germline. Not counted in ClinVar's aggregate classification.

Fulgent Genetics
Classification: Uncertain significance for Joubert syndrome 5; Senior-Loken syndrome 6; Meckel syndrome, type 4; Leber congenital amaurosis 10; Bardet-Biedl syndrome 14. Last evaluated: 2024-01-31. Review status: criteria provided, single submitter. Criteria: ACMG Guidelines, 2015. Collection method: clinical testing. Allele origin: germline. Not counted in ClinVar's aggregate classification.

DNA-diagnostics Laboratory, Research Centre For Medical Genetics
Classification: Likely pathogenic for Bardet-Biedl syndrome 14. Review status: criteria provided, single submitter. Criteria: ACMG Guidelines, 2015. Collection method: clinical testing. Allele origin: germline. Affected: yes. Observed: 1 homozygote. Not counted in ClinVar's aggregate classification.

Institute of Human Genetics, Univ. Regensburg, Univ. Regensburg
Classification: Uncertain significance for Retinal dystrophy. Last evaluated: 2022-01-01. Review status: no assertion criteria provided. Criteria: ACMG Guidelines, 2015. Collection method: clinical testing. Allele origin: germline. Affected: yes. Not counted in ClinVar's aggregate classification.

Natera, Inc.
Classification: Uncertain significance for Leber congenital amaurosis. Last evaluated: 2020-02-13. Review status: no assertion criteria provided. Collection method: clinical testing. Allele origin: germline. Not counted in ClinVar's aggregate classification.

Department of Pathology and Laboratory Medicine, Sinai Health System
Classification: Uncertain significance. Review status: no assertion criteria provided. Collection method: clinical testing. Allele origin: unknown. Affected: yes. Study: The Canadian Open Genetics Repository (COGR). Not counted in ClinVar's aggregate classification.
Comment: The CEP290 p.R2339W variant was not identified in the literature but was identified in dbSNP (ID: rs200969981) and ClinVar (classified as uncertain significance by Invitae). The variant was identified in control databases in 46 of 276868 chromosomes at a frequency of 0.0001661 (Genome Aggregation Database March 6, 2019, v2.1.1). The p.R2339 residue is not conserved in mammals and computational analyses (MUT Assesor, PolyPhen-2, SIFT, MutationTaster, Revel, FATHMM, MetaLR, DANN) do not suggest a high likelihood of impact to the protein; however this information is not predictive enough to rule out pathogenicity. The variant occurs outside of the splicing consensus sequence and in silico or computational prediction software programs (Splice AI exome) do not predict a deleterious effect on splicing. In summary, based on the above information the clinical significance of this variant cannot be determined with certainty at this time. This variant is classified as a variant of uncertain significance.